The following is an entry in ClinVar:

ClinVar aggregate classification (germline): Conflicting classifications of pathogenicity. Review status: criteria provided, conflicting classifications (1 of 4 stars). 3 submissions from 3 submitters: Uncertain significance (2); Likely benign (1). Last evaluated 2026-06-24.

Conditions:
Hypomagnesemia, seizures, and impaired intellectual development 1. Also called: Hypomagnesemia, seizures, and intellectual disability 1. Identifiers: Orphanet 34527, MedGen C4225333, MONDO:0020787, OMIM 616418.
Renal hypomagnesemia 6. Identifiers: Orphanet 34527, MedGen C3151295, MONDO:0013480, OMIM 613882.

Allele frequency attached by ClinVar (database versions not stated): gnomAD exomes below 0.00001.
gnomAD v4.1: 2 of 1,562,696 alleles (0.00013%); highest among the groups gnomAD compares: African/African-American, 0.0014%; no homozygotes.

Submissions (3):

Revvity Omics, Revvity
Classification: Likely benign. Last evaluated: 2026-06-24. Review status: criteria provided, single submitter. Criteria: ACMG Guidelines, 2015. Collection method: clinical testing. Allele origin: germline.

Labcorp Genetics (formerly Invitae), Labcorp
Classification: Uncertain significance. Last evaluated: 2022-10-24. Review status: criteria provided, single submitter. Criteria: Invitae Variant Classification Sherloc (09022015). Collection method: clinical testing. Allele origin: germline.
Comment: Algorithms developed to predict the effect of missense changes on protein structure and function output the following: SIFT: "Tolerated"; PolyPhen-2: "Benign"; Align-GVGD: "Class C0". The valine amino acid residue is found in multiple mammalian species, which suggests that this missense change does not adversely affect protein function. ClinVar contains an entry for this variant (Variation ID: 1375331). This variant has not been reported in the literature in individuals affected with CNNM2-related conditions. This variant is not present in population databases (gnomAD no frequency). This sequence change replaces isoleucine, which is neutral and non-polar, with valine, which is neutral and non-polar, at codon 40 of the CNNM2 protein (p.Ile40Val). In summary, the available evidence is currently insufficient to determine the role of this variant in disease. Therefore, it has been classified as a Variant of Uncertain Significance.

Fulgent Genetics
Classification: Uncertain significance for Renal hypomagnesemia 6; Hypomagnesemia, seizures, and impaired intellectual development 1. Last evaluated: 2021-09-04. Review status: criteria provided, single submitter. Criteria: ACMG Guidelines, 2015. Collection method: clinical testing. Allele origin: unknown.

NM_017649.5(CNNM2):c.118A>G (p.Ile40Val)

Gene: CNNM2 (cyclin and CBS domain divalent metal cation transport mediator 2; plus strand). Cytogenetic location: 10q24.32.
Variant type: single nucleotide variant.
Coding change: c.118A>G on transcript NM_017649.5 (MANE Select); coding-DNA position 118, A replaced by G.
Protein change: p.Ile40Val; replaces isoleucine 40 with valine.
Molecular consequence: missense variant.
Genome position (GRCh38, 1-based): chr10:102,918,598, A>G. VCF-style: chr10-102918598-A-G. GRCh37 (hg19) VCF-style: chr10-104678355-A-G.
Other names: c.118A>G, p.Ile40Val (NM_199076.3, NM_199077.3); short protein forms I40V.
Identifiers: ClinVar variation 1375331 (VCV001375331.8), dbSNP rs2134148877, ClinGen allele CA377953853.
Genomic context (GRCh38, chr10:102,918,598, plus strand): 5'-GCCGCACTGCCCACTTGGAAGATGGCGGCGCGCCGCAGCCTCAGCGCTCGCGGCCGGGGG[A>G]TCCTGCAGGCGGCTGCGGGGCGGCTGCTGCCGCTGCTCCTGCTGAGCTGCTGCTGCGGTG-3'
Protein context (NP_060119.3, residues 30-50): RRSLSARGRG[Ile40Val]LQAAAGRLLP